The following is an entry in ClinVar:

ClinVar aggregate classification (germline): Likely benign. Review status: criteria provided, multiple submitters, no conflicts (2 of 4 stars). 7 submissions from 7 submitters: Likely benign (5). 2 of the submissions do not count toward it. Last evaluated 2025-12-30.

Conditions:
OTOG-related disorder. Also called: OTOG-related condition.
Autosomal recessive nonsyndromic hearing loss 18B. Also called: Deafness, autosomal recessive 18b. Identifiers: Orphanet 90636, MedGen C3554163, MONDO:0013985, OMIM 614945.

Allele frequency attached by ClinVar (database versions not stated): ExAC 0.00098; 1000 Genomes Project 0.00220; gnomAD exomes 0.00235; gnomAD 0.00243; 1000 Genomes Project 30x 0.00265; TOPMed 0.00271.
gnomAD v4.1: 5,525 of 1,550,464 alleles (0.36%); highest among the groups gnomAD compares: Non-Finnish European, 0.43%; 9 homozygotes.

Submissions (7):

Labcorp Genetics (formerly Invitae), Labcorp
Classification: Likely benign. Last evaluated: 2025-12-30. Review status: criteria provided, single submitter. Criteria: Invitae Variant Classification Sherloc (09022015). Collection method: clinical testing. Allele origin: germline.

Blueprint Genetics
Classification: Likely benign. Last evaluated: 2024-11-22. Review status: criteria provided, single submitter. Criteria: ACMG Guidelines, 2015. Collection method: clinical testing. Allele origin: germline.

CeGaT Center for Human Genetics Tuebingen
Classification: Likely benign. Last evaluated: 2024-03-01. Review status: criteria provided, single submitter. Criteria: CeGaT Center For Human Genetics Tuebingen Variant Classification Criteria Version 2. Collection method: clinical testing. Allele origin: germline. Affected: yes. Observed: 2 variant alleles.
Comment: OTOG: BP4, BS2

GeneDx
Classification: Likely benign. Last evaluated: 2021-04-29. Review status: criteria provided, single submitter. Criteria: GeneDx Variant Classification Process June 2021. Collection method: clinical testing. Allele origin: germline. Affected: yes.

Laboratory for Molecular Medicine, Mass General Brigham Personalized Medicine
Classification: Likely benign. Last evaluated: 2018-01-18. Review status: criteria provided, single submitter. Criteria: LMM Criteria. Collection method: clinical testing. Allele origin: germline. Observed: 5 variant alleles.
Comment: p.His312Arg variant in exon 8 of OTOG: This variant is not expected to have clin ical significance because it has been identified in 0.454% (112/24678) of Latino chromosomes, including 1 homozygous individual, by the Genome Aggregation Datab ase (gnomAD; rs189159426). In addition, histid ine (His) at position 312 is not conserved through species, with two mammals (pa cific walrus and hedgehog) having an arginine (Arg) at this position. ACMG/AMP C riteria applied: BS1, BP4.

PreventionGenetics, part of Exact Sciences
Classification: Likely benign for OTOG-related condition. Last evaluated: 2021-04-26. Review status: no assertion criteria provided. Collection method: clinical testing. Allele origin: germline. Not counted in ClinVar's aggregate classification.
Comment: This variant is classified as likely benign based on ACMG/AMP sequence variant interpretation guidelines (Richards et al. 2015 PMID: 25741868, with internal and published modifications).

Division of Human Genetics, Children's Hospital of Philadelphia
Classification: Uncertain significance for Autosomal recessive nonsyndromic hearing loss 18B. Last evaluated: 2015-11-03. Review status: no assertion criteria provided. Collection method: research. Allele origin: maternal. Affected: yes. Study: CSER-PediSeq. Not counted in ClinVar's aggregate classification.

NM_001292063.2(OTOG):c.899A>G (p.His300Arg)

Gene: OTOG (otogelin; plus strand). Cytogenetic location: 11p15.1.
Variant type: single nucleotide variant.
Coding change: c.899A>G on transcript NM_001292063.2 (MANE Select); coding-DNA position 899, A replaced by G.
Protein change: p.His300Arg; replaces histidine 300 with arginine.
Molecular consequence: missense variant.
Genome position (GRCh38, 1-based): chr11:17,558,218, A>G. VCF-style: chr11-17558218-A-G. GRCh37 (hg19) VCF-style: chr11-17579765-A-G.
Other names: c.935A>G, p.His312Arg (NM_001277269.2); short protein forms H312R, H300R.
Identifiers: ClinVar variation 229109 (VCV000229109.41), dbSNP rs189159426, ClinGen allele CA5905417.